The following is an entry in ClinVar:

ClinVar aggregate classification (germline): Uncertain significance (1 of 4 stars; one submission).

Allele frequency attached by ClinVar (database versions not stated): gnomAD exomes below 0.00001.
gnomAD v4.1: 3 of 1,550,404 alleles (0.00019%); highest among the groups gnomAD compares: African/African-American, 0.0041%; no homozygotes.

Submission:

Laboratory for Molecular Medicine, Mass General Brigham Personalized Medicine
Classification: Uncertain significance. Last evaluated: 2019-07-09. Review status: criteria provided, single submitter. Criteria: LMM Criteria. Collection method: clinical testing. Allele origin: germline. Observed: 1 variant allele.
Comment: The p.Pro1815His variant in OTOG has not been previously reported in individuals with hearing loss and was absent from large population studies. Computational prediction tools and conservation analysis suggest that this variant may not impact the protein, though this information is not predictive enough to rule out pathogenicity. In summary, the clinical significance of this variant is uncertain. ACMG/AMP Criteria applied: PM2, BP4.

NM_001292063.2(OTOG):c.5408C>A (p.Pro1803His)

Gene: OTOG (otogelin; plus strand). Cytogenetic location: 11p15.1.
Variant type: single nucleotide variant.
Coding change: c.5408C>A on transcript NM_001292063.2 (MANE Select); coding-DNA position 5408, C replaced by A.
Protein change: p.Pro1803His; replaces proline 1803 with histidine.
Molecular consequence: missense variant.
Genome position (GRCh38, 1-based): chr11:17,610,708, C>A. VCF-style: chr11-17610708-C-A. GRCh37 (hg19) VCF-style: chr11-17632255-C-A.
Other names: c.5444C>A, p.Pro1815His (NM_001277269.2); short protein forms P1815H, P1803H.
Identifiers: ClinVar variation 930091 (VCV000930091.4), dbSNP rs1853511496, ClinGen allele CA379799497.